The following is an entry in ClinVar:

ClinVar aggregate classification (germline): Uncertain significance. Review status: criteria provided, multiple submitters, no conflicts (2 of 4 stars). 3 submissions from 3 submitters: Uncertain significance (3). Last evaluated 2026-03-09.

Conditions:
Inborn genetic diseases. Identifiers: MedGen C0950123, MeSH D030342.
Polycystic kidney disease, adult type (PKD1). Also called: Polycystic Kidney Disease 1, Autosomal Dominant; Polycystic kidney disease 1; Polycystic kidney disease 1, severe; Polycystic Kidney, Autosomal Dominant; POLYCYSTIC KIDNEY DISEASE 1 WITH OR WITHOUT POLYCYSTIC LIVER DISEASE; POLYCYSTIC KIDNEY DISEASE, ADULT, TYPE I. Identifiers: MedGen C3149841, MONDO:0008263, OMIM 173900.

gnomAD v4.1: 9 of 1,612,480 alleles (0.00056%); highest among the groups gnomAD compares: Non-Finnish European, 0.00076%; no homozygotes.

Submissions (3):

Women's Health and Genetics/Laboratory Corporation of America, LabCorp
Classification: Uncertain significance. Last evaluated: 2026-03-09. Review status: criteria provided, single submitter. Criteria: LabCorp Variant Classification Summary - May 2015. Collection method: clinical testing. Allele origin: germline.
Comment: Variant summary: PKD1 c.4880A>G (p.Tyr1627Cys) results in a non-conservative amino acid change in the encoded protein sequence. Algorithms developed to predict the effect of missense changes on protein structure and function are either unavailable or do not agree on the potential impact of this missense change. The variant was absent in 248992 control chromosomes. The available data on variant occurrences in the general population are insufficient to allow any conclusion about variant significance. To our knowledge, no occurrence of c.4880A>G in individuals affected with PKD1-related conditions and no experimental evidence demonstrating its impact on protein function have been reported. ClinVar contains an entry for this variant (Variation ID: 3579480). Based on the evidence outlined above, the variant was classified as uncertain significance.

Ambry Genetics
Classification: Uncertain significance for Inborn genetic diseases. Last evaluated: 2025-08-31. Review status: criteria provided, single submitter. Criteria: Ambry Variant Classification Scheme 2023. Collection method: clinical testing. Allele origin: germline.

Fulgent Genetics
Classification: Uncertain significance for Polycystic kidney disease, adult type. Last evaluated: 2024-03-06. Review status: criteria provided, single submitter. Criteria: ACMG Guidelines, 2015. Collection method: clinical testing. Allele origin: germline.

NM_001009944.3(PKD1):c.4880A>G (p.Tyr1627Cys)

Gene: PKD1 (polycystin 1, transient receptor potential channel interacting; minus strand). Cytogenetic location: 16p13.3.
Variant type: single nucleotide variant.
Coding change: c.4880A>G on transcript NM_001009944.3 (MANE Select); coding-DNA position 4880, A replaced by G.
Protein change: p.Tyr1627Cys; replaces tyrosine 1627 with cysteine.
Molecular consequence: missense variant.
Genome position (GRCh38, 1-based): chr16:2,110,287, T>C on the plus strand (A>G on the coding strand, the complement: PKD1 is on the minus strand). VCF-style: chr16-2110287-T-C. GRCh37 (hg19) VCF-style: chr16-2160288-T-C.
Other names: c.4880A>G (NM_000296.3); c.4880A>G, p.Tyr1627Cys (NM_000296.4); short protein forms Y1627C.
Identifiers: ClinVar variation 3579480 (VCV003579480.3).